The following is an entry in ClinVar:

ClinVar aggregate classification (germline): Likely benign (0 of 4 stars; one submission).

Conditions:
ERBIN-related disorder. Also called: ERBIN-related condition.

Allele frequency attached by ClinVar (database versions not stated): gnomAD exomes below 0.00001.
gnomAD v4.1: 6 of 1,585,012 alleles (0.00038%); highest among the groups gnomAD compares: Non-Finnish European, 0.00051%; no homozygotes.

Submission:

PreventionGenetics, part of Exact Sciences
Classification: Likely benign for ERBIN-related condition. Last evaluated: 2019-03-27. Review status: no assertion criteria provided. Collection method: clinical testing. Allele origin: germline.
Comment: This variant is classified as likely benign based on ACMG/AMP sequence variant interpretation guidelines (Richards et al. 2015 PMID: 25741868, with internal and published modifications).

NM_001253697.2(ERBIN):c.186A>G (p.Pro62=)

Gene: ERBIN (erbb2 interacting protein; plus strand). Cytogenetic location: 5q12.3.
Variant type: single nucleotide variant.
Coding change: c.186A>G on transcript NM_001253697.2 (MANE Select); coding-DNA position 186, A replaced by G.
Protein change: p.Pro62=; no amino-acid change (proline 62 retained).
Molecular consequence: synonymous variant.
Genome position (GRCh38, 1-based): chr5:65,992,904, A>G. VCF-style: chr5-65992904-A-G. GRCh37 (hg19) VCF-style: chr5-65288732-A-G.
Other names: c.186A>G, p.Pro62= (NM_001006600.3, NM_001253698.2, NM_001253699.2 and 2 more transcripts).
Identifiers: ClinVar variation 3057578 (VCV003057578.2), dbSNP rs2546609777, ClinGen allele CA444603939.